The following is an entry in ClinVar:

NM_004360.5(CDH1):c.2062T>C (p.Cys688Arg)

Gene: CDH1 (cadherin 1; plus strand). Cytogenetic location: 16q22.1.
Variant type: single nucleotide variant.
Coding change: c.2062T>C on transcript NM_004360.5 (MANE Select); coding-DNA position 2062, T replaced by C.
Protein change: p.Cys688Arg; replaces cysteine 688 with arginine.
Molecular consequence: missense variant.
Genome position (GRCh38, 1-based): chr16:68,823,524, T>C. VCF-style: chr16-68823524-T-C. GRCh37 (hg19) VCF-style: chr16-68857427-T-C.
Other names: c.1879T>C, p.Cys627Arg (NM_001317184.2); c.514T>C, p.Cys172Arg (NM_001317185.2); c.97T>C, p.Cys33Arg (NM_001317186.2); short protein forms C172R, C627R, C33R, C688R.
Identifiers: ClinVar variation 4724669 (VCV004724669.1).

ClinVar aggregate classification (germline): Uncertain significance (1 of 4 stars; one submission).

Conditions:
Hereditary diffuse gastric adenocarcinoma (HDGC). Also called: DIFFUSE GASTRIC AND LOBULAR BREAST CANCER SYNDROME. Identifiers: Orphanet 26106, MedGen C1708349, MONDO:0007648, OMIM 137215.

gnomAD v4.1: 1 of 1,614,052 alleles (0.000062%); highest among the groups gnomAD compares: Non-Finnish European, 0.000085%; no homozygotes.

Submission:

Labcorp Genetics (formerly Invitae), Labcorp
Classification: Uncertain significance for Hereditary diffuse gastric adenocarcinoma. Last evaluated: 2025-08-03. Review status: criteria provided, single submitter. Criteria: Invitae Variant Classification Sherloc (09022015). Collection method: clinical testing. Allele origin: germline.
Comment: This sequence change replaces cysteine, which is neutral and slightly polar, with arginine, which is basic and polar, at codon 688 of the CDH1 protein (p.Cys688Arg). This variant is not present in population databases (gnomAD no frequency). This variant has not been reported in the literature in individuals affected with CDH1-related conditions. An algorithm developed to predict the effect of missense changes on protein structure and function (PolyPhen-2) suggests that this variant is likely to be disruptive. In summary, the available evidence is currently insufficient to determine the role of this variant in disease. Therefore, it has been classified as a Variant of Uncertain Significance.